The following is an entry in ClinVar:

NM_182961.4(SYNE1):c.3643A>C (p.Lys1215Gln)

Gene: SYNE1 (spectrin repeat containing nuclear envelope protein 1; minus strand). Cytogenetic location: 6q25.2.
Variant type: single nucleotide variant.
Coding change: c.3643A>C on transcript NM_182961.4 (MANE Select); coding-DNA position 3643, A replaced by C.
Protein change: p.Lys1215Gln; replaces lysine 1215 with glutamine.
Molecular consequence: missense variant.
Genome position (GRCh38, 1-based): chr6:152,447,484, T>G on the plus strand (A>C on the coding strand, the complement: SYNE1 is on the minus strand). VCF-style: chr6-152447484-T-G. GRCh37 (hg19) VCF-style: chr6-152768619-T-G.
Other names: c.3664A>C, p.Lys1222Gln (NM_033071.5); short protein forms K1215Q, K1222Q.
Identifiers: ClinVar variation 1445083 (VCV001445083.8), dbSNP rs370014940, ClinGen allele CA150234590.

ClinVar aggregate classification (germline): Uncertain significance (1 of 4 stars; one submission).

Conditions:
Emery-Dreifuss muscular dystrophy 4, autosomal dominant (EDMD4). Also called: EMERY-DREIFUSS MUSCULAR DYSTROPHY 4 WITH VARIABLE FEATURES. Identifiers: Orphanet 261, MedGen C2751807, MONDO:0013071, OMIM 612998.
Autosomal recessive ataxia, Beauce type. Also called: Spinocerebellar ataxia, autosomal recessive 8; ATAXIA, RECESSIVE, OF BEAUCE; SYNE1 Deficiency; SYNE1-Related Autosomal Recessive Cerebellar Ataxia. Identifiers: Orphanet 88644, MedGen C1853116, MONDO:0012549, OMIM 610743.

Allele frequency attached by ClinVar (database versions not stated): gnomAD exomes below 0.00001 and 0.00002; gnomAD 0.00001; TOPMed 0.00001; ESP Exome Variant Server 0.00008.
gnomAD v4.1: 29 of 1,614,106 alleles (0.0018%); highest among the groups gnomAD compares: Non-Finnish European, 0.0025%; no homozygotes.

Submission:

Labcorp Genetics (formerly Invitae), Labcorp
Classification: Uncertain significance for Emery-Dreifuss muscular dystrophy 4, autosomal dominant; Autosomal recessive ataxia, Beauce type. Last evaluated: 2021-04-13. Review status: criteria provided, single submitter. Criteria: Invitae Variant Classification Sherloc (09022015). Collection method: clinical testing. Allele origin: germline.
Comment: In summary, the available evidence is currently insufficient to determine the role of this variant in disease. Therefore, it has been classified as a Variant of Uncertain Significance. Algorithms developed to predict the effect of sequence changes on RNA splicing suggest that this variant may create or strengthen a splice site, but this prediction has not been confirmed by published transcriptional studies. Algorithms developed to predict the effect of missense changes on protein structure and function are either unavailable or do not agree on the potential impact of this missense change (SIFT: "Deleterious"; PolyPhen-2: "Possibly Damaging"; Align-GVGD: "Class C0"). This variant has not been reported in the literature in individuals with SYNE1-related conditions. This variant is not present in population databases (ExAC no frequency). This sequence change replaces lysine with glutamine at codon 1222 of the SYNE1 protein (p.Lys1222Gln). The lysine residue is highly conserved and there is a small physicochemical difference between lysine and glutamine.